The following is an entry in ClinVar:

NM_016592.5(GNAS):c.715C>A (p.Pro239Thr)

Genes: GNAS (GNAS complex locus; plus strand), GNAS-AS1 (GNAS antisense RNA 1; minus strand). Cytogenetic location: 20q13.32.
Variant type: single nucleotide variant.
Coding change: c.715C>A on transcript NM_016592.5 (MANE Plus Clinical); coding-DNA position 715, C replaced by A.
Protein change: p.Pro239Thr; replaces proline 239 with threonine.
Molecular consequence: missense variant. On other transcripts: 5 prime UTR variant (1).
Genome position (GRCh38, 1-based): chr20:58,840,821, C>A. VCF-style: chr20-58840821-C-A. GRCh37 (hg19) VCF-style: chr20-57415876-C-A.
Other names: c.-23C>A (NM_001410912.1); short protein forms P239T.
Identifiers: ClinVar variation 134490 (VCV000134490.12), dbSNP rs79527543, ClinGen allele CA159956.
Genomic context (GRCh38, chr20:58,840,821, plus strand): 5'-TGCAAGCCAAAGAAGCCCACCCGCCGTGACGCGTCCCCGGAGTCCCCTTCCAAAAAGGGA[C>A]CCATCCCCATCCGGCGTCACTAATGGAGGACGCCGTCCAGATTCTCCTTGTTTTCATGGA-3'
Protein context (NP_057676.1, residues 229-245): ASPESPSKKG[Pro239Thr]IPIRRH

ClinVar aggregate classification (germline): Benign. Review status: criteria provided, multiple submitters, no conflicts (2 of 4 stars). 6 submissions from 6 submitters: Benign (3). 3 of the submissions do not count toward it. Last evaluated 2019-12-31.

Allele frequency attached by ClinVar (database versions not stated): TOPMed 0.01380; ExAC 0.00363; 1000 Genomes Project 30x 0.01343; gnomAD 0.01195 and 0.01288; ESP Exome Variant Server 0.01270; 1000 Genomes Project 0.01238.
gnomAD v4.1: 3,846 of 1,612,766 alleles (0.24%); highest among the groups gnomAD compares: African/African-American, 4.2%; 71 homozygotes.

Submissions (6):

Labcorp Genetics (formerly Invitae), Labcorp
Classification: Benign. Last evaluated: 2019-12-31. Review status: criteria provided, single submitter. Criteria: Invitae Variant Classification Sherloc (09022015). Collection method: clinical testing. Allele origin: germline.

Center for Pediatric Genomic Medicine, Children's Mercy Hospital and Clinics
Classification: Benign. Last evaluated: 2017-02-27. Review status: criteria provided, single submitter. Criteria: ACMG Guidelines, 2015. Collection method: clinical testing. Allele origin: germline.

Breakthrough Genomics
Classification: Benign. Review status: criteria provided, single submitter. Criteria: ACMG Guidelines, 2015. Collection method: not provided. Allele origin: germline. Inheritance: Autosomal dominant inheritance. Affected: yes.

ITMI
No classification provided. Condition: AllHighlyPenetrant. Last evaluated: 2013-09-19. Review status: no classification provided. Collection method: reference population. Allele origin: germline. Not counted in ClinVar's aggregate classification.
Comment: Please see associated publication for description of ethnicities

Clinical Genetics, Academic Medical Center
Classification: Benign. Review status: no assertion criteria provided. Collection method: clinical testing. Allele origin: germline. Affected: yes. Study: VKGL Data-share Consensus. Not counted in ClinVar's aggregate classification.

Laboratory of Diagnostic Genome Analysis, Leiden University Medical Center (LUMC)
Classification: Benign. Review status: no assertion criteria provided. Collection method: clinical testing. Allele origin: germline. Affected: yes. Study: VKGL Data-share Consensus. Not counted in ClinVar's aggregate classification.

Literature cited by the submitters: PubMed 24728327 (cited by ITMI).